The following is an entry in ClinVar:

NM_022336.4(EDAR):c.1133C>T (p.Ala378Val)

Genes: EDAR (ectodysplasin A receptor; minus strand), RANBP2 (RAN binding protein 2; plus strand). Cytogenetic location: 2q13.
Variant type: single nucleotide variant.
Coding change: c.1133C>T on transcript NM_022336.4 (MANE Select); coding-DNA position 1133, C replaced by T.
Protein change: p.Ala378Val; replaces alanine 378 with valine.
Molecular consequence: missense variant.
Genome position (GRCh38, 1-based): chr2:108,897,121, G>A on the plus strand (C>T on the coding strand, the complement: EDAR is on the minus strand). VCF-style: chr2-108897121-G-A. GRCh37 (hg19) VCF-style: chr2-109513577-G-A.
Other names: short protein forms A378V.
Identifiers: ClinVar variation 1702963 (VCV001702963.2), dbSNP rs2105371700, ClinGen allele CA348048151.

ClinVar aggregate classification (germline): Uncertain significance. Review status: criteria provided, single submitter (1 of 4 stars). 2 submissions from 1 submitter: Uncertain significance (2). Last evaluated 2022-08-22.

Conditions:
EDAR-related disorder. Also called: EDAR-related condition.
Ectodermal dysplasia 10A, hypohidrotic/hair/nail type, autosomal dominant (ECTD10A). Also called: Ectodermal Dysplasia 3, Anhidrotic. Identifiers: Orphanet 1810, Orphanet 238468, MedGen C3888065, MONDO:0007509, OMIM 129490.

Submissions (2):

Daryl Scott Lab, Baylor College of Medicine
Classification: Uncertain significance for Ectodermal dysplasia 10A, hypohidrotic/hair/nail type, autosomal dominant. Last evaluated: 2022-08-22. Review status: criteria provided, single submitter. Criteria: ACMG Guidelines, 2015. Collection method: clinical testing. Allele origin: unknown. Observed: 1 variant allele, 1 heterozygote.

Daryl Scott Lab, Baylor College of Medicine
Classification: Uncertain significance for EDAR-related disorder. Review status: criteria provided, single submitter. Criteria: ACMG Guidelines, 2015. Collection method: clinical testing. Allele origin: unknown. Affected: yes. Observed: 1 heterozygote.
Comment: PM2, PP3

Literature cited by the submitters: PubMed 36135330.